The following is an entry in ClinVar:

NM_007375.4(TARDBP):c.776A>G (p.Asn259Ser)

Gene: TARDBP (TAR DNA binding protein; plus strand). Cytogenetic location: 1p36.22.
Variant type: single nucleotide variant.
Coding change: c.776A>G on transcript NM_007375.4 (MANE Select); coding-DNA position 776, A replaced by G.
Protein change: p.Asn259Ser; replaces asparagine 259 with serine.
Molecular consequence: missense variant.
Genome position (GRCh38, 1-based): chr1:11,022,185, A>G. VCF-style: chr1-11022185-A-G. GRCh37 (hg19) VCF-style: chr1-11082242-A-G.
Other names: short protein forms N259S.
Identifiers: ClinVar variation 2925243 (VCV002925243.3), dbSNP rs1341842598, ClinGen allele CA338364234.
Genomic context (GRCh38, chr1:11,022,185, plus strand): 5'-TTGCGCAGTCTCTTTGTGGAGAGGACTTGATCATTAAAGGAATCAGCGTTCATATATCCA[A>G]TGCCGAACCTAAGCACAATAGCAATAGACAGTTAGAAAGAAGTGGAAGATTTGGTGGTAA-3'
Protein context (NP_031401.1, residues 249-269): IIKGISVHIS[Asn259Ser]AEPKHNSNRQ

ClinVar aggregate classification (germline): Uncertain significance (1 of 4 stars; one submission).

Conditions:
Amyotrophic lateral sclerosis type 10 (ALS10). Also called: Amyotrophic lateral sclerosis 10, with or without FTD; AMYOTROPHIC LATERAL SCLEROSIS 10 WITHOUT FRONTOTEMPORAL DEMENTIA AND WITH TDP43 INCLUSIONS; AMYOTROPHIC LATERAL SCLEROSIS 10 WITH OR WITHOUT FRONTOTEMPORAL DEMENTIA AND WITH TDP43 INCLUSIONS; AMYOTROPHIC LATERAL SCLEROSIS 10 WITH OR WITHOUT FRONTOTEMPORAL DEMENTIA; TARDBP-Related Amyotrophic Lateral Sclerosis-Frontotemporal Dementia. Identifiers: Orphanet 275872, Orphanet 803, MedGen C2677565, MONDO:0012790, OMIM 612069.
FRONTOTEMPORAL LOBAR DEGENERATION WITH TDP43 INCLUSIONS, TARDBP-RELATED. Also called: Frontotemporal lobar degeneration, TARDBP-related. Identifiers: MedGen C3150169, OMIM 612069.

Allele frequency attached by ClinVar (database versions not stated): gnomAD 0.00001; gnomAD exomes 0.00001; TOPMed 0.00001.
gnomAD v4.1: 12 of 1,613,880 alleles (0.00074%); highest among the groups gnomAD compares: East Asian, 0.0022%; no homozygotes.

Submission:

Labcorp Genetics (formerly Invitae), Labcorp
Classification: Uncertain significance for Amyotrophic lateral sclerosis type 10; FRONTOTEMPORAL LOBAR DEGENERATION WITH TDP43 INCLUSIONS, TARDBP-RELATED. Last evaluated: 2023-04-11. Review status: criteria provided, single submitter. Criteria: Invitae Variant Classification Sherloc (09022015). Collection method: clinical testing. Allele origin: germline.
Comment: This missense change has been observed in individual(s) with amyotrophic lateral sclerosis (PMID: 28705014). In summary, the available evidence is currently insufficient to determine the role of this variant in disease. Therefore, it has been classified as a Variant of Uncertain Significance. Experimental studies have shown that this missense change affects TARDBP function (PMID: 28705014). Advanced modeling of protein sequence and biophysical properties (such as structural, functional, and spatial information, amino acid conservation, physicochemical variation, residue mobility, and thermodynamic stability) performed at Invitae indicates that this missense variant is not expected to disrupt TARDBP protein function. This variant is present in population databases (no rsID available, gnomAD 0.0009%). This sequence change replaces asparagine, which is neutral and polar, with serine, which is neutral and polar, at codon 259 of the TARDBP protein (p.Asn259Ser).

Literature cited by the submitters: PubMed 28705014.